The following is an entry in ClinVar:

ClinVar aggregate classification (germline): Pathogenic (1 of 4 stars; one submission).

Conditions:
Diabetes insipidus, nephrogenic, X-linked. Also called: Nephrogenic Diabetes Insipidus, Type I. Identifiers: Orphanet 223, MedGen C1563705, MONDO:0010581, OMIM 304800.

Submission:

Laboratory of Medical Genetics, National & Kapodistrian University of Athens
Classification: Pathogenic for Diabetes insipidus, nephrogenic, X-linked. Last evaluated: 2023-03-02. Review status: criteria provided, single submitter. Criteria: ACMG Guidelines, 2015. Collection method: clinical testing. Allele origin: germline. Affected: yes.
Comment: PVS1, PM2, PP5

NM_000054.7(AVPR2):c.468G>A (p.Trp156Ter)

Gene: AVPR2 (arginine vasopressin receptor 2; plus strand). Cytogenetic location: Xq28.
Variant type: single nucleotide variant.
Coding change: c.468G>A on transcript NM_000054.7 (MANE Select); coding-DNA position 468, G replaced by A.
Protein change: p.Trp156Ter; replaces tryptophan 156 with a stop codon.
Molecular consequence: nonsense.
Genome position (GRCh38, 1-based): chrX:153,905,974, G>A. VCF-style: chrX-153905974-G-A. GRCh37 (hg19) VCF-style: chrX-153171428-G-A.
Other names: c.468G>A, p.Trp156Ter (NM_001146151.3); short protein forms W156*.
Identifiers: ClinVar variation 2572644 (VCV002572644.1), dbSNP rs782412366, ClinGen allele CA415106298.